The following is an entry in ClinVar:

NM_000377.3(WAS):c.1494_1500delinsAGATGAA (p.Asp498_Trp500delinsGluAspGlu)

Gene: WAS (WASP actin nucleation promoting factor; plus strand). Cytogenetic location: Xp11.23.
Variant type: Indel.
Coding change: c.1494_1500delinsAGATGAA on transcript NM_000377.3 (MANE Select); coding-DNA positions 1494 to 1500, TGAATGG replaced by AGATGAA.
Protein change: p.Asp498_Trp500delinsGluAspGlu.
Molecular consequence: missense variant.
Genome position (GRCh38, 1-based): chrX:48,691,147-48,691,153, TGAATGG replaced by AGATGAA. VCF-style: chrX-48691147-TGAATGG-AGATGAA. GRCh37 (hg19) VCF-style: chrX-48549538-TGAATGG-AGATGAA.
Other names: c.1494_1500delTGAATGGinsAGATGAA (NM_000377.2).
Identifiers: ClinVar variation 1204676 (VCV001204676.5), dbSNP rs2147268605, ClinGen allele CA2499226747.

ClinVar aggregate classification (germline): Likely pathogenic (1 of 4 stars; one submission).

Submission:

GeneDx
Classification: Likely pathogenic. Last evaluated: 2021-11-08. Review status: criteria provided, single submitter. Criteria: GeneDx Variant Classification Process June 2021. Collection method: clinical testing. Allele origin: germline. Affected: yes.
Comment: Not observed in large population cohorts (Lek et al., 2016); In silico analysis, which includes protein predictors and evolutionary conservation, supports a deleterious effect; Has not been previously published as pathogenic or benign to our knowledge